The following is an entry in ClinVar:

ClinVar aggregate classification (germline): Pathogenic/Likely pathogenic. Review status: criteria provided, multiple submitters, no conflicts (2 of 4 stars). 3 submissions from 3 submitters: Pathogenic (2); Likely pathogenic (1). Last evaluated 2026-03-31.

Conditions:
Epilepsy. Also called: Seizure disorder. Identifiers: MedGen C0014544, MeSH D004827, MONDO:0005027.
Developmental and epileptic encephalopathy, 11 (DEE11). Also called: Early infantile epileptic encephalopathy 11. Identifiers: Orphanet 1934, MedGen C3150987, MONDO:0013388, OMIM 613721.
Seizures, benign familial infantile, 3 (BFIS3). Also called: CONVULSIONS, BENIGN FAMILIAL INFANTILE, 3; Familial neonatal seizures. Identifiers: Orphanet 140927, Orphanet 306, MedGen C1843140, MONDO:0011904, OMIM 607745.

Submissions (3):

Cytogénomique, Hospices Civils de Lyon
Classification: Pathogenic for Epilepsy. Last evaluated: 2026-03-31. Review status: criteria provided, single submitter. Criteria: ACMG Guidelines, 2015. Collection method: clinical testing. Allele origin: germline. Affected: yes.

Labcorp Genetics (formerly Invitae), Labcorp
Classification: Pathogenic for Seizures, benign familial infantile, 3; Developmental and epileptic encephalopathy, 11. Last evaluated: 2025-12-21. Review status: criteria provided, single submitter. Criteria: Invitae Variant Classification Sherloc (09022015). Collection method: clinical testing. Allele origin: germline.
Comment: This sequence change replaces methionine, which is neutral and non-polar, with valine, which is neutral and non-polar, at codon 1501 of the SCN2A protein (p.Met1501Val). This variant is not present in population databases (gnomAD no frequency). This missense change has been observed in individual(s) with early infantile epileptic encephalopathy (PMID: 29933521, 31031587). In at least one individual the variant was observed to be de novo. ClinVar contains an entry for this variant (Variation ID: 1068258). Invitae Evidence Modeling of protein sequence and biophysical properties (such as structural, functional, and spatial information, amino acid conservation, physicochemical variation, residue mobility, and thermodynamic stability) indicates that this missense variant is expected to disrupt SCN2A protein function with a positive predictive value of 95%. For these reasons, this variant has been classified as Pathogenic.

Pediatric Department, Xiangya Hospital, Central South University
Classification: Likely pathogenic for Developmental and epileptic encephalopathy 11. Review status: criteria provided, single submitter. Criteria: ACMG Guidelines, 2015. Collection method: research. Allele origin: de novo. Affected: yes.

Literature cited by the submitters: PubMed 29933521 (cited by Labcorp Genetics (formerly Invitae), Labcorp); PubMed 31031587 (cited by Labcorp Genetics (formerly Invitae), Labcorp).

NM_001040142.2(SCN2A):c.4501A>G (p.Met1501Val)

Gene: SCN2A (sodium voltage-gated channel alpha subunit 2; plus strand). Cytogenetic location: 2q24.3.
Variant type: single nucleotide variant.
Coding change: c.4501A>G on transcript NM_001040142.2 (MANE Select); coding-DNA position 4501, A replaced by G.
Protein change: p.Met1501Val; replaces methionine 1501 with valine.
Molecular consequence: missense variant.
Genome position (GRCh38, 1-based): chr2:165,381,147, A>G. VCF-style: chr2-165381147-A-G. GRCh37 (hg19) VCF-style: chr2-166237657-A-G.
Other names: c.4501A>G, p.Met1501Val (NM_001040143.2, NM_001371246.1, NM_001371247.1 and 1 more transcripts); short protein forms M1501V.
Identifiers: ClinVar variation 1068258 (VCV001068258.11), dbSNP rs2105385817, ClinGen allele CA349034759.
Genomic context (GRCh38, chr2:165,381,147, plus strand): 5'-CTTTACTTTGGAGGTCAAGACATTTTTATGACAGAAGAACAGAAGAAATACTACAATGCA[A>G]TGAAAAAACTGGGTTCAAAGAAACCACAAAAACCCATACCTCGACCTGCTGTAAGAATAA-3'
Protein context (NP_001035232.1, residues 1491-1511): TEEQKKYYNA[Met1501Val]KKLGSKKPQK